The following is an entry in ClinVar:

NC_000009.12:g.(?_95449059)_(95449950_?)del

Gene: PTCH1 (patched 1; minus strand). Cytogenetic location: 9q22.32.
Variant type: Deletion.
Identifiers: ClinVar variation 831435 (VCV000831435.10).

ClinVar aggregate classification (germline): Pathogenic (1 of 4 stars; one submission).

Conditions:
Gorlin syndrome. Also called: Nevoid Basal Cell Carcinoma Syndrome; Basal cell nevus syndrome. Identifiers: Orphanet 377, MedGen C0004779, MONDO:0007187.

Submission:

Labcorp Genetics (formerly Invitae), Labcorp
Classification: Pathogenic for Gorlin syndrome. Last evaluated: 2020-07-02. Review status: criteria provided, single submitter. Criteria: Invitae Variant Classification Sherloc (09022015). Collection method: clinical testing. Allele origin: germline.
Comment: For these reasons, this variant has been classified as Pathogenic. This variant disrupts the p.Leu1156 amino acid residue in PTCH1. Other variant(s) that disrupt this residue have been determined to be pathogenic (PMID: 30411536, Invitae). This suggests that this residue is clinically significant, and that variants that disrupt this residue are likely to be disease-causing. This variant has been observed in individual(s) with clinical features of Gorlin syndrome (Invitae). This variant is a sub-genic deletion of the genomic region encompassing exons 21-22 of the PTCH1 gene. While this deletion is not anticipated to result in nonsense mediated decay, it is expected to create a truncated protein product.

Literature cited by the submitters: PubMed 30411536.